The following is an entry in ClinVar:

NM_020937.4(FANCM):c.4641del (p.Asn1547fs)

Gene: FANCM (FA complementation group M; plus strand). Cytogenetic location: 14q21.2.
Variant type: Deletion.
Coding change: c.4641del on transcript NM_020937.4 (MANE Select); coding-DNA position 4641, one base deleted (T; older notation c.4641delT).
Protein change: p.Asn1547fs; shifts the reading frame from asparagine 1547.
Molecular consequence: frameshift variant.
Genome position (GRCh38, 1-based): chr14:45,185,342, T deleted. VCF-style (leftmost placement, unchanged base first): chr14-45185341-AT-A. GRCh37 (hg19) VCF-style: chr14-45654544-AT-A.
Other names: c.4563del, p.Asn1521fs (NM_001308133.2); short protein forms N1521fs, N1547fs.
Identifiers: ClinVar variation 997617 (VCV000997617.2), dbSNP rs1889334318, ClinGen allele CA915940390.

ClinVar aggregate classification (germline): Uncertain significance (1 of 4 stars; one submission).

Conditions:
Spermatogenic failure 28. Identifiers: MedGen C4748117, MONDO:0054732, OMIM 618086.

Submission:

Baylor Genetics
Classification: Uncertain significance for Spermatogenic failure 28. Last evaluated: 2020-01-07. Review status: criteria provided, single submitter. Criteria: ACMG Guidelines, 2015. Collection method: clinical testing. Allele origin: unknown. Affected: yes. Study: CSER-TexasKidsCanSeq.
Comment: This variant was determined to be of uncertain significance according to ACMG Guidelines, 2015 [PMID:25741868]. Recently, loss of function variants of the FANCM gene have been associated with early-onset familial breast cancer [PMID: 28033443]

Literature cited by the submitters: PubMed 28033443.